The following is an entry in ClinVar:

ClinVar aggregate classification (germline): Uncertain significance. Review status: criteria provided, multiple submitters, no conflicts (2 of 4 stars). 3 submissions from 3 submitters: Uncertain significance (3). Last evaluated 2025-09-01.

Conditions:
Inborn genetic diseases. Identifiers: MedGen C0950123, MeSH D030342.
Weill-Marchesani syndrome. Also called: WM Syndrome; Mesodermal dysmorphodystrophy congenital. Identifiers: Orphanet 3449, MedGen C0265313, MONDO:0018096.

Allele frequency attached by ClinVar (database versions not stated): gnomAD exomes 0.00001; TOPMed 0.00001; ExAC 0.00002; gnomAD 0.00002 and 0.00004; 1000 Genomes Project 30x 0.00031; 1000 Genomes Project 0.00040.
gnomAD v4.1: 27 of 1,614,110 alleles (0.0017%); highest among the groups gnomAD compares: African/African-American, 0.027%; no homozygotes.

Submissions (3):

Ambry Genetics
Classification: Uncertain significance for Inborn genetic diseases. Last evaluated: 2025-09-01. Review status: criteria provided, single submitter. Criteria: Ambry Variant Classification Scheme 2023. Collection method: clinical testing. Allele origin: germline.

Labcorp Genetics (formerly Invitae), Labcorp
Classification: Uncertain significance. Last evaluated: 2023-10-03. Review status: criteria provided, single submitter. Criteria: Invitae Variant Classification Sherloc (09022015). Collection method: clinical testing. Allele origin: germline.
Comment: This sequence change replaces glutamic acid, which is acidic and polar, with glycine, which is neutral and non-polar, at codon 173 of the ADAMTS10 protein (p.Glu173Gly). This variant is present in population databases (rs187757286, gnomAD 0.01%). This variant has not been reported in the literature in individuals affected with ADAMTS10-related conditions. ClinVar contains an entry for this variant (Variation ID: 894313). An algorithm developed to predict the effect of missense changes on protein structure and function (PolyPhen-2) suggests that this variant is likely to be disruptive. In summary, the available evidence is currently insufficient to determine the role of this variant in disease. Therefore, it has been classified as a Variant of Uncertain Significance.

Illumina Laboratory Services, Illumina
Classification: Uncertain significance for Weill-Marchesani syndrome. Last evaluated: 2018-01-12. Review status: criteria provided, single submitter. Criteria: ICSL Variant Classification Criteria 13 December 2019. Collection method: clinical testing. Allele origin: germline.

NM_030957.4(ADAMTS10):c.518A>G (p.Glu173Gly)

Gene: ADAMTS10 (ADAM metallopeptidase with thrombospondin type 1 motif 10; minus strand). Cytogenetic location: 19p13.2.
Variant type: single nucleotide variant.
Coding change: c.518A>G on transcript NM_030957.4 (MANE Select); coding-DNA position 518, A replaced by G.
Protein change: p.Glu173Gly; replaces glutamic acid 173 with glycine.
Molecular consequence: missense variant.
Genome position (GRCh38, 1-based): chr19:8,603,802, T>C on the plus strand (A>G on the coding strand, the complement: ADAMTS10 is on the minus strand). VCF-style: chr19-8603802-T-C. GRCh37 (hg19) VCF-style: chr19-8668686-T-C.
Other names: short protein forms E173G.
Identifiers: ClinVar variation 894313 (VCV000894313.10), dbSNP rs187757286, ClinGen allele CA9160807.